The following is an entry in ClinVar:

GRCh37/hg19 Xq26.1-26.3(chrX:128882432-134384406)x3

Genes: AIFM1 (apoptosis inducing factor mitochondria associated 1; minus strand), ARHGAP36 (Rho GTPase activating protein 36; plus strand), BCORL1 (BCL6 corepressor like 1; plus strand), CCDC160 (coiled-coil domain containing 160; plus strand), CT55 (cancer/testis antigen 55; minus strand) and 36 more. Cytogenetic location: Xq26.1-26.3.
Variant type: copy number gain.
Change: copy number 3 of chrX:128,882,432-134,384,406 (5.50 Mb, GRCh37 coordinates, 1-based), cytogenetic band Xq26.1-26.3.
Identifiers: ClinVar variation 4683014 (VCV004683014.1).

ClinVar aggregate classification (germline): Likely pathogenic (1 of 4 stars; one submission).

Submission:

Quest Diagnostics Nichols Institute San Juan Capistrano
Classification: Likely pathogenic. Last evaluated: 2025-05-30. Review status: criteria provided, single submitter. Criteria: ACMG/ClinGen CNV Guidelines, 2019. Collection method: clinical testing. Allele origin: unknown.
Comment: This duplication involves at least 41 protein-coding genes. Hemizygous duplications fully contained within the current interval have been reported in males with variable clinical features (Abe 2014, Firth 2009, Fu 2022, Ha 2019, Herriges 2019, Hirota 2017, Moller 2014, Xu 2014). There are no similar copy number gains of this region in the general populations of the Database of Genomic Variants. Therefore, based on gene count and current medical literature, this copy number variant (CNV) is classified as likely pathogenic. Clinical presentation of this finding in a female is typically dependent upon X-inactivation status. References: Abe et al., Dev Med Child Neurol. 2014 Dec;56(12):1221-1224. PMID: 25052774 Firth et al., Am J Hum Genet. 2009 Apr;84(4):524-33. PMID: 19344873 Fu et al., Genes (Basel). 2022 Dec 14;13(12):2365. PMID: 36553632 Ha et al., Am J Med Genet C Semin Med Genet. 2019 Dec;181(4):644-649. PMID: 31762227 Herriges et al., J Child Neurol. 2019 Feb;34(2):86-93. PMID: 30458662 Hirota et al., Am J Med Genet A. 2017 Sep;173(9):2446-2450. PMID: 28636109 Moller et al., Hum Genet. 2014 May;133(5):625-38. PMID: 24326587 Xu et al., North American Journal of Medicine and Science 7 (4). 2014..